The following is an entry in ClinVar:

NM_001277115.2(DNAH11):c.9925-3C>T

Gene: DNAH11 (dynein axonemal heavy chain 11; plus strand). Cytogenetic location: 7p15.3.
Variant type: single nucleotide variant.
Coding change: c.9925-3C>T on transcript NM_001277115.2 (MANE Select); 3 bases into the intron before coding-DNA position 9925, C replaced by T.
Molecular consequence: intron variant.
Genome position (GRCh38, 1-based): chr7:21,789,238, C>T. VCF-style: chr7-21789238-C-T. GRCh37 (hg19) VCF-style: chr7-21828856-C-T.
Other names: c.9946-3C>T (NM_003777.3).
Identifiers: ClinVar variation 1363200 (VCV001363200.5), dbSNP rs774970534, ClinGen allele CA4182176.

ClinVar aggregate classification (germline): Conflicting classifications of pathogenicity. Review status: criteria provided, conflicting classifications (1 of 4 stars). 3 submissions from 3 submitters: Uncertain significance (2); Likely benign (1). Last evaluated 2022-07-14.

Conditions:
Primary ciliary dyskinesia. Also called: Ciliary dyskinesia. Identifiers: Orphanet 244, MedGen C0008780, MONDO:0016575, HP:0012265.

Allele frequency attached by ClinVar (database versions not stated): ExAC 0.00004; gnomAD exomes 0.00005; gnomAD 0.00015 and 0.00016; TOPMed 0.00030.
gnomAD v4.1: 69 of 1,559,344 alleles (0.0044%); highest among the groups gnomAD compares: Admixed American, 0.069%; no homozygotes.

Submissions (3):

Blueprint Genetics
Classification: Likely benign. Last evaluated: 2022-07-14. Review status: criteria provided, single submitter. Criteria: ACMG Guidelines, 2015. Collection method: clinical testing. Allele origin: germline.

Labcorp Genetics (formerly Invitae), Labcorp
Classification: Uncertain significance for Primary ciliary dyskinesia. Last evaluated: 2022-03-30. Review status: criteria provided, single submitter. Criteria: Invitae Variant Classification Sherloc (09022015). Collection method: clinical testing. Allele origin: germline.
Comment: This sequence change falls in intron 60 of the DNAH11 gene. It does not directly change the encoded amino acid sequence of the DNAH11 protein. It affects a nucleotide within the consensus splice site. This variant is present in population databases (rs774970534, gnomAD 0.02%). This variant has not been reported in the literature in individuals affected with DNAH11-related conditions. Variants that disrupt the consensus splice site are a relatively common cause of aberrant splicing (PMID: 17576681, 9536098). Algorithms developed to predict the effect of sequence changes on RNA splicing suggest that this variant is not likely to affect RNA splicing. In summary, the available evidence is currently insufficient to determine the role of this variant in disease. Therefore, it has been classified as a Variant of Uncertain Significance.

Ambry Genetics
Classification: Uncertain significance for Primary ciliary dyskinesia. Last evaluated: 2014-08-01. Review status: criteria provided, single submitter. Criteria: Ambry General Variant Classification Scheme_2022. Collection method: clinical testing. Allele origin: germline. Observed: 1 variant allele.
Comment: The c.9946-3C>T intronic variant results from a C to T substitution 3 nucleotides upstream from coding exon 61 in the DNAH11 gene. This variant was not reported in population based cohorts in the following databases: Database of Single Nucleotide Polymorphisms (dbSNP), NHLBI Exome Sequencing Project (ESP), and 1000 Genomes Project. In the ESP, this variant was not observed in 5970 samples (11940 alleles) with coverage at this position. This nucleotide position is well conserved in available vertebrate species. However, T is the reference nucelotide in hedgehog, armadillo, and African clawed frog. Using the BDGP and ESEfinder splice site prediction tools, this alteration is not predicted to have any significant effect on this acceptor splice site; however, direct evidence is unavailable. Since supporting evidence is limited at this time, the clinical significance of c.9946-3C>T remains unclear.

Literature cited by the submitters: PubMed 17576681 (cited by Labcorp Genetics (formerly Invitae), Labcorp); PubMed 9536098 (cited by Labcorp Genetics (formerly Invitae), Labcorp).